The following is an entry in ClinVar:

ClinVar aggregate classification (germline): Uncertain significance (1 of 4 stars; one submission).

Conditions:
Inborn genetic diseases. Identifiers: MedGen C0950123, MeSH D030342.

Submission:

Ambry Genetics
Classification: Uncertain significance for Inborn genetic diseases. Last evaluated: 2025-06-21. Review status: criteria provided, single submitter. Criteria: Ambry Variant Classification Scheme 2023. Collection method: clinical testing. Allele origin: germline.
Comment: The p.G595D variant (also known as c.1784G>A), located in coding exon 15 of the BUB1B gene, results from a G to A substitution at nucleotide position 1784. The glycine at codon 595 is replaced by aspartic acid, an amino acid with similar properties. This amino acid position is conserved. In addition, the in silico prediction for this alteration is inconclusive. Since supporting evidence is limited at this time, the clinical significance of this alteration remains unclear.

NM_001211.6(BUB1B):c.1784G>A (p.Gly595Asp)

Gene: BUB1B (BUB1 mitotic checkpoint serine/threonine kinase B; plus strand). Cytogenetic location: 15q15.1.
Variant type: single nucleotide variant.
Coding change: c.1784G>A on transcript NM_001211.6 (MANE Select); coding-DNA position 1784, G replaced by A.
Protein change: p.Gly595Asp; replaces glycine 595 with aspartic acid.
Molecular consequence: missense variant.
Genome position (GRCh38, 1-based): chr15:40,206,233, G>A. VCF-style: chr15-40206233-G-A. GRCh37 (hg19) VCF-style: chr15-40498434-G-A.
Other names: short protein forms G595D.
Identifiers: ClinVar variation 2497662 (VCV002497662.3), dbSNP rs2037634640, ClinGen allele CA391692350.